The following is an entry in ClinVar:

ClinVar aggregate classification (germline): Uncertain significance (1 of 4 stars; one submission).

Conditions:
Arrhythmogenic cardiomyopathy with wooly hair and keratoderma. Also called: Carvajal syndrome; Dilated cardiomyopathy with woolly hair and keratoderma; Arrhythmogenic cardiomyopathy with woolly hair and keratoderma; PALMOPLANTAR KERATODERMA WITH LEFT VENTRICULAR CARDIOMYOPATHY AND WOOLLY HAIR. Identifiers: Orphanet 65282, MedGen C1854063, MONDO:0011581, OMIM 605676.
Arrhythmogenic right ventricular dysplasia 8 (ARVD8). Also called: Arrhythmogenic Right Ventricular Dysplasia/Cardiomyopathy 8; ARRHYTHMOGENIC RIGHT VENTRICULAR DYSPLASIA, FAMILIAL, 8; ARRHYTHMOGENIC RIGHT VENTRICULAR CARDIOMYOPATHY 8. Identifiers: MedGen C1843896, MONDO:0011831, OMIM 607450.

Allele frequency attached by ClinVar (database versions not stated): gnomAD exomes below 0.00001.
gnomAD v4.1: 1 of 1,613,878 alleles (0.000062%); highest among the groups gnomAD compares: Non-Finnish European, 0.000085%; no homozygotes.

Submission:

Labcorp Genetics (formerly Invitae), Labcorp
Classification: Uncertain significance for Arrhythmogenic cardiomyopathy with wooly hair and keratoderma; Arrhythmogenic right ventricular dysplasia 8. Last evaluated: 2022-03-10. Review status: criteria provided, single submitter. Criteria: Invitae Variant Classification Sherloc (09022015). Collection method: clinical testing. Allele origin: germline.
Comment: In summary, the available evidence is currently insufficient to determine the role of this variant in disease. Therefore, it has been classified as a Variant of Uncertain Significance. Algorithms developed to predict the effect of missense changes on protein structure and function (SIFT, PolyPhen-2, Align-GVGD) all suggest that this variant is likely to be tolerated. ClinVar contains an entry for this variant (Variation ID: 1056439). This variant has not been reported in the literature in individuals affected with DSP-related conditions. This variant is not present in population databases (gnomAD no frequency). This sequence change replaces valine, which is neutral and non-polar, with isoleucine, which is neutral and non-polar, at codon 649 of the DSP protein (p.Val649Ile).

NM_004415.4(DSP):c.1945G>A (p.Val649Ile)

Gene: DSP (desmoplakin; plus strand). Cytogenetic location: 6p24.3.
Variant type: single nucleotide variant.
Coding change: c.1945G>A on transcript NM_004415.4 (MANE Select); coding-DNA position 1945, G replaced by A.
Protein change: p.Val649Ile; replaces valine 649 with isoleucine.
Molecular consequence: missense variant.
Genome position (GRCh38, 1-based): chr6:7,571,883, G>A. VCF-style: chr6-7571883-G-A. GRCh37 (hg19) VCF-style: chr6-7572116-G-A.
Other names: c.1945G>A, p.Val649Ile (NM_001008844.3, NM_001319034.2); short protein forms V649I.
Identifiers: ClinVar variation 1056439 (VCV001056439.9), dbSNP rs2113679772, ClinGen allele CA362680137.